The following is an entry in ClinVar:

NM_001164665.2(KIAA1549):c.4963C>T (p.Pro1655Ser)

Gene: KIAA1549 (KIAA1549; minus strand). Cytogenetic location: 7q34.
Variant type: single nucleotide variant.
Coding change: c.4963C>T on transcript NM_001164665.2 (MANE Select); coding-DNA position 4963, C replaced by T.
Protein change: p.Pro1655Ser; replaces proline 1655 with serine.
Molecular consequence: missense variant.
Genome position (GRCh38, 1-based): chr7:138,861,423, G>A on the plus strand (C>T on the coding strand, the complement: KIAA1549 is on the minus strand). VCF-style: chr7-138861423-G-A. GRCh37 (hg19) VCF-style: chr7-138546169-G-A.
Other names: c.4963C>T, p.Pro1655Ser (NM_020910.3); short protein forms P1655S.
Identifiers: ClinVar variation 862955 (VCV000862955.8), dbSNP rs769880542, ClinGen allele CA4505689.

ClinVar aggregate classification (germline): Uncertain significance (1 of 4 stars; one submission).

Allele frequency attached by ClinVar (database versions not stated): gnomAD exomes 0.00001 and 0.00003; TOPMed 0.00001; ExAC 0.00004.
gnomAD v4.1: 7 of 1,612,532 alleles (0.00043%); highest among the groups gnomAD compares: Admixed American, 0.01%; no homozygotes.

Submission:

Labcorp Genetics (formerly Invitae), Labcorp
Classification: Uncertain significance. Last evaluated: 2023-04-05. Review status: criteria provided, single submitter. Criteria: Invitae Variant Classification Sherloc (09022015). Collection method: clinical testing. Allele origin: germline.
Comment: This sequence change replaces proline, which is neutral and non-polar, with serine, which is neutral and polar, at codon 1655 of the KIAA1549 protein (p.Pro1655Ser). This variant is present in population databases (rs769880542, gnomAD 0.02%). This variant has not been reported in the literature in individuals affected with KIAA1549-related conditions. ClinVar contains an entry for this variant (Variation ID: 862955). An algorithm developed to predict the effect of missense changes on protein structure and function (PolyPhen-2) suggests that this variant is likely to be disruptive. In summary, the available evidence is currently insufficient to determine the role of this variant in disease. Therefore, it has been classified as a Variant of Uncertain Significance.